The following is an entry in ClinVar:

NM_006060.6(IKZF1):c.487C>G (p.His163Asp)

Gene: IKZF1 (IKAROS family zinc finger 1; plus strand). Cytogenetic location: 7p12.2.
Variant type: single nucleotide variant.
Coding change: c.487C>G on transcript NM_006060.6 (MANE Select); coding-DNA position 487, C replaced by G.
Protein change: p.His163Asp; replaces histidine 163 with aspartic acid.
Molecular consequence: missense variant. On other transcripts: intron variant (6).
Genome position (GRCh38, 1-based): chr7:50,382,605, C>G. VCF-style: chr7-50382605-C-G. GRCh37 (hg19) VCF-style: chr7-50450303-C-G.
Other names: c.487C>G, p.His163Asp (NM_001220765.3, NM_001220768.2, NM_001291837.2); c.226C>G, p.His76Asp (NM_001220767.2, NM_001220770.2, NM_001291838.2 and 1 more transcripts); c.547C>G, p.His183Asp (NM_001410879.1); c.421+5812C>G (NM_001220771.2); c.161-4740C>G (NM_001291841.1, NM_001291842.1); c.161-9124C>G (NM_001291843.1, NM_001291844.1); c.161-17313C>G (NM_001291840.1); short protein forms H183D, H163D, H76D.
Identifiers: ClinVar variation 4764439 (VCV004764439.1).

ClinVar aggregate classification (germline): Uncertain significance (1 of 4 stars; one submission).

Submission:

Labcorp Genetics (formerly Invitae), Labcorp
Classification: Uncertain significance. Last evaluated: 2025-06-09. Review status: criteria provided, single submitter. Criteria: Invitae Variant Classification Sherloc (09022015). Collection method: clinical testing. Allele origin: germline.
Comment: This sequence change replaces histidine, which is basic and polar, with aspartic acid, which is acidic and polar, at codon 163 of the IKZF1 protein (p.His163Asp). This variant is not present in population databases (gnomAD no frequency). This variant has not been reported in the literature in individuals affected with IKZF1-related conditions. An algorithm developed to predict the effect of missense changes on protein structure and function (PolyPhen-2) suggests that this variant is likely to be disruptive. In summary, the available evidence is currently insufficient to determine the role of this variant in disease. Therefore, it has been classified as a Variant of Uncertain Significance.